The following is an entry in ClinVar:

NM_001267550.2(TTN):c.59811C>T (p.Phe19937=)

Genes: TTN-AS1 (TTN antisense RNA 1; plus strand), TTN (titin; minus strand), LOC126806424 (CDK7 strongly-dependent group 2 enhancer GRCh37_chr2:179456337-179457536; plus strand). Cytogenetic location: 2q31.2.
Variant type: single nucleotide variant.
Coding change: c.59811C>T on transcript NM_001267550.2 (MANE Select); coding-DNA position 59811, C replaced by T.
Protein change: p.Phe19937=; no amino-acid change (phenylalanine 19937 retained).
Molecular consequence: synonymous variant.
Genome position (GRCh38, 1-based): chr2:178,592,093, G>A on the plus strand (C>T on the coding strand, the complement: TTN is on the minus strand). VCF-style: chr2-178592093-G-A. GRCh37 (hg19) VCF-style: chr2-179456820-G-A.
Other names: c.54888C>T, p.Phe18296= (NM_001256850.1); c.32616C>T, p.Phe10872= (NM_003319.4); c.52107C>T, p.Phe17369= (NM_133378.4); c.32991C>T, p.Phe10997= (NM_133432.3); c.33192C>T, p.Phe11064= (NM_133437.4).
Identifiers: ClinVar variation 702760 (VCV000702760.15), dbSNP rs781544233, ClinGen allele CA1992603.

ClinVar aggregate classification (germline): Likely benign. Review status: criteria provided, multiple submitters, no conflicts (2 of 4 stars). 4 submissions from 4 submitters: Likely benign (4). Last evaluated 2025-09-19.

Conditions:
TTN-related disorder. Also called: TTN-related condition; TTN-related disease; TTN-related disorders.
Cardiovascular phenotype. Identifiers: MedGen CN230736.
Autosomal recessive limb-girdle muscular dystrophy type 2J (LGMDR10). Also called: Limb-girdle muscular dystrophy, type 2J; MUSCULAR DYSTROPHY, LIMB-GIRDLE, AUTOSOMAL RECESSIVE 10. Identifiers: Orphanet 140922, MedGen C1837342, MONDO:0012127, OMIM 608807.
Dilated cardiomyopathy 1G (CMD1G). Identifiers: Orphanet 154, MedGen C1858763, MONDO:0011400, OMIM 604145.

Allele frequency attached by ClinVar (database versions not stated): gnomAD 0.00001; gnomAD exomes 0.00001; TOPMed 0.00001; ExAC 0.00001.
gnomAD v4.1: 21 of 1,612,810 alleles (0.0013%); highest among the groups gnomAD compares: East Asian, 0.0045%; no homozygotes.

Submissions (4):

PreventionGenetics, part of Exact Sciences
Classification: Likely benign for TTN-related condition. Last evaluated: 2025-09-19. Review status: criteria provided, single submitter. Criteria: ACMG Guidelines, 2015. Collection method: clinical testing. Allele origin: germline.
Comment: This variant is classified as likely benign based on ACMG/AMP sequence variant interpretation guidelines (Richards et al. 2015 PMID: 25741868, with internal and published modifications).

Labcorp Genetics (formerly Invitae), Labcorp
Classification: Likely benign for Dilated cardiomyopathy 1G; Autosomal recessive limb-girdle muscular dystrophy type 2J. Last evaluated: 2025-05-26. Review status: criteria provided, single submitter. Criteria: Invitae Variant Classification Sherloc (09022015). Collection method: clinical testing. Allele origin: germline.

Blueprint Genetics
Classification: Likely benign. Last evaluated: 2020-12-18. Review status: criteria provided, single submitter. Criteria: ACMG Guidelines, 2015. Collection method: clinical testing. Allele origin: germline.

Ambry Genetics
Classification: Likely benign for Cardiovascular phenotype. Last evaluated: 2019-12-19. Review status: criteria provided, single submitter. Criteria: Ambry Variant Classification Scheme 2023. Collection method: clinical testing. Allele origin: germline.